The following is an entry in ClinVar:

ClinVar aggregate classification (germline): Uncertain significance (1 of 4 stars; one submission).

Submission:

GeneDx
Classification: Uncertain significance. Last evaluated: 2019-12-23. Review status: criteria provided, single submitter. Criteria: GeneDx Variant Classification Process June 2021. Collection method: clinical testing. Allele origin: germline. Affected: yes.
Comment: Not observed in large population cohorts (Lek et al., 2016); Has not been previously published as pathogenic or benign to our knowledge; In silico analysis, which includes splice predictors and evolutionary conservation, suggests this variant may impact gene splicing. In the absence of RNA/functional studies, the actual effect of this sequence change is unknown

NM_003482.4(KMT2D):c.10741-11T>A

Gene: KMT2D (lysine methyltransferase 2D; minus strand). Cytogenetic location: 12q13.12.
Variant type: single nucleotide variant.
Coding change: c.10741-11T>A on transcript NM_003482.4 (MANE Select); 11 bases into the intron before coding-DNA position 10741, T replaced by A.
Molecular consequence: intron variant.
Genome position (GRCh38, 1-based): chr12:49,033,975, A>T on the plus strand (T>A on the coding strand, the complement: KMT2D is on the minus strand). VCF-style: chr12-49033975-A-T. GRCh37 (hg19) VCF-style: chr12-49427758-A-T.
Identifiers: ClinVar variation 1311475 (VCV001311475.2), dbSNP rs2120449619, ClinGen allele CA2573053681.